The following is an entry in ClinVar:

ClinVar aggregate classification (germline): Pathogenic. Review status: criteria provided, multiple submitters, no conflicts (2 of 4 stars). 7 submissions from 7 submitters: Pathogenic (6). 1 of the submissions does not count toward it. Last evaluated 2025-10-09.

Conditions:
ATM-related cancer predisposition. Also called: ATM-related cancer susceptibility. Identifiers: MedGen CN377759, MONDO:0700270.
Hereditary cancer-predisposing syndrome. Also called: Hereditary Cancer Syndrome; Neoplastic Syndromes, Hereditary; Tumor predisposition; Hereditary neoplastic syndrome. Identifiers: Orphanet 140162, MedGen C0027672, MeSH D009386, MONDO:0015356.
Familial cancer of breast. Also called: BREAST CANCER, FAMILIAL; hereditary breast carcinoma; Hereditary breast cancer. Identifiers: Orphanet 227535, MedGen C0346153, MONDO:0016419, OMIM 114480. Disease mechanism: loss of function.
Ataxia-telangiectasia syndrome (AT). Also called: ATAXIA-TELANGIECTASIA, COMPLEMENTATION GROUP A; ATAXIA-TELANGIECTASIA, FRESNO VARIANT; Ataxia-telangiectasia; LOUIS-BAR SYNDROME; Ataxia telangiectasia (A-T); Ataxia-telangiectasia, complementation group D. Identifiers: Orphanet 100, MedGen C0004135, MONDO:0008840, OMIM 208900.

Submissions (7):

Labcorp Genetics (formerly Invitae), Labcorp
Classification: Pathogenic for Ataxia-telangiectasia syndrome. Last evaluated: 2025-10-09. Review status: criteria provided, single submitter. Criteria: Invitae Variant Classification Sherloc (09022015). Collection method: clinical testing. Allele origin: germline.
Comment: This sequence change creates a premature translational stop signal (p.Asp126Glufs*3) in the ATM gene. It is expected to result in an absent or disrupted protein product. Loss-of-function variants in ATM are known to be pathogenic (PMID: 23807571, 25614872). This variant is not present in population databases (gnomAD no frequency). This variant has not been reported in the literature in individuals affected with ATM-related conditions. ClinVar contains an entry for this variant (Variation ID: 141037). For these reasons, this variant has been classified as Pathogenic.

Ambry Genetics
Classification: Pathogenic for Hereditary cancer-predisposing syndrome. Last evaluated: 2025-07-16. Review status: criteria provided, single submitter. Criteria: Ambry Variant Classification Scheme 2023. Collection method: clinical testing. Allele origin: germline.
Comment: The c.378delT pathogenic mutation, located in coding exon 4 of the ATM gene, results from a deletion of one nucleotide at nucleotide position 378, causing a translational frameshift with a predicted alternate stop codon (p.D126Efs*3). This mutation has been identified in a patient with bilateral breast cancer (Crawford B et al. Breast Cancer Res. Treat. 2017 Jun;163:383-390). In addition to the clinical data presented in the literature, this alteration is expected to result in loss of function by premature protein truncation or nonsense-mediated mRNA decay. As such, this alteration is interpreted as a disease-causing mutation.

Myriad Genetics, Inc.
Classification: Pathogenic for Familial cancer of breast. Last evaluated: 2024-01-09. Review status: criteria provided, single submitter. Criteria: Myriad Autosomal Dominant, Autosomal Recessive and X-Linked Classification Criteria (2023). Collection method: clinical testing. Allele origin: unknown.
Comment: This variant is considered pathogenic. This variant creates a frameshift predicted to result in premature protein truncation.

Institute for Genomic Medicine (IGM) Clinical Laboratory, Nationwide Children's Hospital
Classification: Pathogenic for ATM-related cancer predisposition. Last evaluated: 2023-11-09. Review status: criteria provided, single submitter. Criteria: ACMG Guidelines, 2015. Collection method: clinical testing. Allele origin: germline.
Comment: This variant is predicted to result in loss of function through nonsense-mediated decay of the encoded transcript or premature truncation of the encoded protein in a gene in which loss of function is a known mechanism of disease (ACMG/AMP: PVS1; PMIDs:10677309, 3574400, 35008949). This variant has been reported at an elevated frequency in affected individuals/in multiple affected individuals in the literature (ACMG/AMP: PS4_Supporting; PMID:28281021). This variant is absent from or present at an exceedingly low frequency in gnomAD, a large-scale control population database (ACMG/AMP: PM2).

Color Diagnostics, LLC DBA Color Health
Classification: Pathogenic for Hereditary cancer-predisposing syndrome. Last evaluated: 2020-01-15. Review status: criteria provided, single submitter. Criteria: ACMG Guidelines, 2015. Collection method: clinical testing. Allele origin: germline.
Comment: This variant deletes 1 nucleotide in exon 5 of the ATM gene, creating a frameshift and premature translation stop signal. This variant is expected to result in an absent or non-functional protein product. This variant has not been identified in the general population by the Genome Aggregation Database (gnomAD). Loss of ATM function is a known mechanism of disease. Based on the available evidence, this variant is classified as Pathogenic.

GeneDx
Classification: Pathogenic. Last evaluated: 2017-08-11. Review status: criteria provided, single submitter. Criteria: GeneDx Variant Classification (06012015). Collection method: clinical testing. Allele origin: germline. Affected: yes.
Comment: This deletion of one nucleotide in ATM is denoted c.378delT at the cDNA level and p.Asp126GlufsX3 (D126EfsX3) at the protein level. The normal sequence, with the base that is deleted in brackets, is TGGA[delT]ACAG. The deletion causes a frameshift which changes an Aspartic Acid to a Glutamic Acid at codon 126, and creates a premature stop codon at position 3 of the new reading frame. This variant is predicted to cause loss of normal protein function through either protein truncation or nonsense-mediated mRNA decay. We consider this variant to be pathogenic.

Counsyl
Classification: Likely pathogenic for Ataxia-telangiectasia syndrome. Last evaluated: 2017-04-03. Review status: no assertion criteria provided. Collection method: clinical testing. Allele origin: unknown. Not counted in ClinVar's aggregate classification.

Literature cited by the submitters: PubMed 23807571 (cited by Labcorp Genetics (formerly Invitae), Labcorp); PubMed 25614872 (cited by Labcorp Genetics (formerly Invitae), Labcorp); PubMed 10677309 (cited by Institute for Genomic Medicine (IGM) Clinical Laboratory, Nationwide Children's Hospital); PubMed 3574400 (cited by Institute for Genomic Medicine (IGM) Clinical Laboratory, Nationwide Children's Hospital); PubMed 35008949 (cited by Institute for Genomic Medicine (IGM) Clinical Laboratory, Nationwide Children's Hospital); PubMed 28281021 (cited by Institute for Genomic Medicine (IGM) Clinical Laboratory, Nationwide Children's Hospital).

NM_000051.4(ATM):c.378del (p.Asp126fs)

Gene: ATM (ATM serine/threonine kinase; plus strand). Cytogenetic location: 11q22.3.
Variant type: Deletion.
Coding change: c.378del on transcript NM_000051.4 (MANE Select); coding-DNA position 378, one base deleted (T; older notation c.378delT).
Protein change: p.Asp126fs; shifts the reading frame from aspartic acid 126.
Molecular consequence: frameshift variant.
Genome position (GRCh38, 1-based): chr11:108,235,716, T deleted. VCF-style (leftmost placement, unchanged base first): chr11-108235715-AT-A. GRCh37 (hg19) VCF-style: chr11-108106442-AT-A.
Other names: c.378delT (NM_000051.3); c.378del, p.Asp126fs (NM_001351834.2); short protein forms D126fs.
Identifiers: ClinVar variation 141037 (VCV000141037.19), dbSNP rs587781449, ClinGen allele CA164294.
Genomic context (GRCh38, chr11:108,235,715, plus strand): 5'-TTTATTTTGAAATAGGAGCACCTAGGCTAAAATGTCAAGAACTCTTAAATTATATCATGG[AT>A]ACAGTGAAAGATTCATCTAATGGTGCTATTTACGGAGCTGATTGTAGCAACATACTACTC-3'